The following is an entry in ClinVar:

NM_001999.4(FBN2):c.3351C>T (p.Asp1117=)

Gene: FBN2 (fibrillin 2; minus strand). Cytogenetic location: 5q23.3.
Variant type: single nucleotide variant.
Coding change: c.3351C>T on transcript NM_001999.4 (MANE Select); coding-DNA position 3351, C replaced by T.
Protein change: p.Asp1117=; no amino-acid change (aspartic acid 1117 retained).
Molecular consequence: synonymous variant.
Genome position (GRCh38, 1-based): chr5:128,339,054, G>A on the plus strand (C>T on the coding strand, the complement: FBN2 is on the minus strand). VCF-style: chr5-128339054-G-A. GRCh37 (hg19) VCF-style: chr5-127674746-G-A.
Identifiers: ClinVar variation 239082 (VCV000239082.48), dbSNP rs78484531, ClinGen allele CA3395253.

ClinVar aggregate classification (germline): Conflicting classifications of pathogenicity. Review status: criteria provided, conflicting classifications (1 of 4 stars). 7 submissions from 7 submitters: Uncertain significance (1); Benign (3); Likely benign (3). Last evaluated 2026-01-27.

Conditions:
Familial thoracic aortic aneurysm and aortic dissection (TAAD). Also called: Thoracic aortic aneurysms and dissections. Identifiers: Orphanet 91387, MedGen C4707243, MONDO:0019625.
Congenital contractural arachnodactyly (CCA). Also called: BEALS SYNDROME; Beals-Hecht syndrome; Arthrogryposis, distal, type 9. Identifiers: Orphanet 115, MedGen C0220668, MONDO:0007363, OMIM 121050.

Allele frequency attached by ClinVar (database versions not stated): gnomAD exomes 0.00031; 1000 Genomes Project 0.00040; ExAC 0.00041; 1000 Genomes Project 30x 0.00047; gnomAD 0.00102; TOPMed 0.00130; ESP Exome Variant Server 0.00154.

Submissions (7):

Labcorp Genetics (formerly Invitae), Labcorp
Classification: Benign for Congenital contractural arachnodactyly. Last evaluated: 2026-01-27. Review status: criteria provided, single submitter. Criteria: Invitae Variant Classification Sherloc (09022015). Collection method: clinical testing. Allele origin: germline.

Women's Health and Genetics/Laboratory Corporation of America, LabCorp
Classification: Benign. Last evaluated: 2024-07-28. Review status: criteria provided, single submitter. Criteria: LabCorp Variant Classification Summary - May 2015. Collection method: clinical testing. Allele origin: germline.

Blueprint Genetics
Classification: Likely benign. Last evaluated: 2023-11-28. Review status: criteria provided, single submitter. Criteria: ACMG Guidelines, 2015. Collection method: clinical testing. Allele origin: germline.

CeGaT Center for Human Genetics Tuebingen
Classification: Likely benign. Last evaluated: 2023-03-01. Review status: criteria provided, single submitter. Criteria: CeGaT Center For Human Genetics Tuebingen Variant Classification Criteria Version 2. Collection method: clinical testing. Allele origin: germline. Affected: yes. Observed: 1 variant allele.
Comment: FBN2: BP4, BP7, BS1

Ambry Genetics
Classification: Likely benign for Familial thoracic aortic aneurysm and aortic dissection. Last evaluated: 2017-05-30. Review status: criteria provided, single submitter. Criteria: Ambry Variant Classification Scheme 2023. Collection method: clinical testing. Allele origin: germline.

Eurofins Ntd Llc (ga)
Classification: Uncertain significance. Last evaluated: 2016-06-09. Review status: criteria provided, single submitter. Criteria: EGL Classification Definitions 2015. Collection method: clinical testing. Allele origin: germline. Observed: 1 variant allele, 1 heterozygote.

GeneDx
Classification: Benign. Last evaluated: 2016-02-10. Review status: criteria provided, single submitter. Criteria: GeneDx Variant Classification (06012015). Collection method: clinical testing. Allele origin: germline. Affected: yes.
Comment: This variant is considered likely benign or benign based on one or more of the following criteria: it is a conservative change, it occurs at a poorly conserved position in the protein, it is predicted to be benign by multiple in silico algorithms, and/or has population frequency not consistent with disease.